The following is an entry in ClinVar:

ClinVar aggregate classification (germline): Uncertain significance (1 of 4 stars; one submission).

Conditions:
Mitochondrial complex II deficiency, nuclear type 1. Also called: SUCCINATE CoQ REDUCTASE DEFICIENCY. Identifiers: Orphanet 3208, MedGen C5700310, MONDO:0100294, OMIM 252011.
Pheochromocytoma/paraganglioma syndrome 5. Also called: Paragangliomas 5; SDHA-Related Hereditary Paraganglioma-Pheochromocytoma Syndrome. Identifiers: Orphanet 29072, MedGen C3279992, MONDO:0013602, OMIM 614165.

Submission:

Labcorp Genetics (formerly Invitae), Labcorp
Classification: Uncertain significance for Pheochromocytoma/paraganglioma syndrome 5; Mitochondrial complex II deficiency, nuclear type 1. Last evaluated: 2022-12-17. Review status: criteria provided, single submitter. Criteria: Invitae Variant Classification Sherloc (09022015). Collection method: clinical testing. Allele origin: germline.
Comment: This sequence change falls in intron 7 of the SDHA gene. It does not directly change the encoded amino acid sequence of the SDHA protein. It affects a nucleotide within the consensus splice site. This variant is not present in population databases (gnomAD no frequency). This variant has not been reported in the literature in individuals affected with SDHA-related conditions. Variants that disrupt the consensus splice site are a relatively common cause of aberrant splicing (PMID: 17576681, 9536098). Algorithms developed to predict the effect of sequence changes on RNA splicing suggest that this variant is not likely to affect RNA splicing. In summary, the available evidence is currently insufficient to determine the role of this variant in disease. Therefore, it has been classified as a Variant of Uncertain Significance.

Literature cited by the submitters: PubMed 17576681; PubMed 9536098.

NM_004168.4(SDHA):c.895+4G>C

Gene: SDHA (succinate dehydrogenase complex flavoprotein subunit A; plus strand). Cytogenetic location: 5p15.33.
Variant type: single nucleotide variant.
Coding change: c.895+4G>C on transcript NM_004168.4 (MANE Select); 4 bases into the intron after coding-DNA position 895, G replaced by C.
Molecular consequence: intron variant.
Genome position (GRCh38, 1-based): chr5:231,004, G>C. VCF-style: chr5-231004-G-C. GRCh37 (hg19) VCF-style: chr5-231119-G-C.
Other names: c.895+4G>C (NM_001330758.2); c.751+4G>C (NM_001294332.2).
Identifiers: ClinVar variation 2942426 (VCV002942426.3), dbSNP rs1735364791, ClinGen allele CA2740091597.